The following is an entry in ClinVar:

NM_005359.6(SMAD4):c.650T>G (p.Ile217Ser)

Gene: SMAD4 (SMAD family member 4; plus strand). Cytogenetic location: 18q21.2.
Variant type: single nucleotide variant.
Coding change: c.650T>G on transcript NM_005359.6 (MANE Select); coding-DNA position 650, T replaced by G.
Protein change: p.Ile217Ser; replaces isoleucine 217 with serine.
Molecular consequence: missense variant.
Genome position (GRCh38, 1-based): chr18:51,054,976, T>G. VCF-style: chr18-51054976-T-G. GRCh37 (hg19) VCF-style: chr18-48581346-T-G.
Other names: short protein forms I217S.
Identifiers: ClinVar variation 486451 (VCV000486451.6), dbSNP rs1555685674, ClinGen allele CA402461306.

ClinVar aggregate classification (germline): Uncertain significance. Review status: criteria provided, multiple submitters, no conflicts (2 of 4 stars). 2 submissions from 2 submitters: Uncertain significance (2). Last evaluated 2025-08-18.

Conditions:
Hereditary cancer-predisposing syndrome. Also called: Tumor predisposition; Neoplastic Syndromes, Hereditary; Hereditary Cancer Syndrome; Hereditary neoplastic syndrome. Identifiers: Orphanet 140162, MedGen C0027672, MeSH D009386, MONDO:0015356.
Familial thoracic aortic aneurysm and aortic dissection (TAAD). Also called: Thoracic aortic aneurysms and dissections. Identifiers: Orphanet 91387, MedGen C4707243, MONDO:0019625.
Juvenile polyposis syndrome (JPS). Identifiers: Orphanet 2929, MedGen C0345893, MONDO:0017380, OMIM 174900.

Submissions (2):

Labcorp Genetics (formerly Invitae), Labcorp
Classification: Uncertain significance for Juvenile polyposis syndrome. Last evaluated: 2025-08-18. Review status: criteria provided, single submitter. Criteria: Invitae Variant Classification Sherloc (09022015). Collection method: clinical testing. Allele origin: germline.
Comment: This sequence change replaces isoleucine, which is neutral and non-polar, with serine, which is neutral and polar, at codon 217 of the SMAD4 protein (p.Ile217Ser). This variant is not present in population databases (gnomAD no frequency). This variant has not been reported in the literature in individuals affected with SMAD4-related conditions. ClinVar contains an entry for this variant (Variation ID: 486451). Invitae Evidence Modeling of protein sequence and biophysical properties (such as structural, functional, and spatial information, amino acid conservation, physicochemical variation, residue mobility, and thermodynamic stability) indicates that this missense variant is not expected to disrupt SMAD4 protein function with a negative predictive value of 95%. In summary, the available evidence is currently insufficient to determine the role of this variant in disease. Therefore, it has been classified as a Variant of Uncertain Significance.

Ambry Genetics
Classification: Uncertain significance for Hereditary cancer-predisposing syndrome; Familial thoracic aortic aneurysm and aortic dissection. Last evaluated: 2016-11-17. Review status: criteria provided, single submitter. Criteria: Ambry Variant Classification Scheme 2023. Collection method: clinical testing. Allele origin: germline.
Comment: The p.I217S variant (also known as c.650T>G), located in coding exon 4 of the SMAD4 gene, results from a T to G substitution at nucleotide position 650. The isoleucine at codon 217 is replaced by serine, an amino acid with dissimilar properties. This variant was not reported in population based cohorts in the following databases: Database of Single Nucleotide Polymorphisms (dbSNP), NHLBI Exome Sequencing Project (ESP), and 1000 Genomes Project. In the ESP, this variant was not observed in 6503 samples (13006 alleles) with coverage at this position. To date, this alteration has been detected with an allele frequency of approximately 0.001% (greater than 85000 alleles tested) in our clinical cohort. This amino acid position is well conserved in available vertebrate species. In addition, this alteration is predicted to be deleterious by in silico analysis. Since supporting evidence is limited at this time, the clinical significance of this alteration remains unclear.